The following is an entry in ClinVar:

NM_000548.5(TSC2):c.3750C>A (p.Tyr1250Ter)

Gene: TSC2 (TSC complex subunit 2; plus strand). Cytogenetic location: 16p13.3.
Variant type: single nucleotide variant.
Coding change: c.3750C>A on transcript NM_000548.5 (MANE Select); coding-DNA position 3750, C replaced by A.
Protein change: p.Tyr1250Ter; replaces tyrosine 1250 with a stop codon.
Molecular consequence: nonsense.
Genome position (GRCh38, 1-based): chr16:2,081,734, C>A. VCF-style: chr16-2081734-C-A. GRCh37 (hg19) VCF-style: chr16-2131735-C-A.
Other names: c.3618C>A, p.Tyr1206Ter (NM_001370404.1, NM_001077183.3); c.3621C>A, p.Tyr1207Ter (NM_001370405.1, NM_021055.3, NM_001363528.2); c.3750C>A, p.Tyr1250Ter (NM_001114382.3); c.3510C>A, p.Tyr1170Ter (NM_001318827.2); c.3474C>A, p.Tyr1158Ter (NM_001318829.2); c.3018C>A, p.Tyr1006Ter (NM_001318831.2); c.3651C>A, p.Tyr1217Ter (NM_001318832.2); short protein forms Y1250*, Y1158*, Y1006*, Y1170*, Y1206*, Y1207*, Y1217*.
Identifiers: ClinVar variation 49549 (VCV000049549.9), dbSNP rs45517308, ClinGen allele CA019518.

ClinVar aggregate classification (germline): Pathogenic. Review status: criteria provided, single submitter (1 of 4 stars). 2 submissions from 2 submitters: Pathogenic (1). 1 of the submissions does not count toward it. Last evaluated 2018-09-26.

Conditions:
Tuberous sclerosis 2 (TSC2). Identifiers: Orphanet 805, MedGen C1860707, MONDO:0013199, OMIM 613254.
Tuberous sclerosis syndrome (TSC). Also called: Tuberous Sclerosis Complex; Tuberous sclerosis. Identifiers: Orphanet 805, MedGen C0041341, MONDO:0001734.

Submissions (2):

Labcorp Genetics (formerly Invitae), Labcorp
Classification: Pathogenic for Tuberous sclerosis 2. Last evaluated: 2018-09-26. Review status: criteria provided, single submitter. Criteria: Invitae Variant Classification Sherloc (09022015). Collection method: clinical testing. Allele origin: germline.
Comment: For these reasons, this variant has been classified as Pathogenic. Loss-of-function variants in TSC2 are known to be pathogenic (PMID: 10205261, 17304050). This variant has been reported in individuals in the Leiden Open-source Variation Database (PMID: 21520333). ClinVar contains an entry for this variant (Variation ID: 49549). A different variant (c.3750C>G) resulting in the same truncation (p.Tyr1250*) has been observed in an individual affected with tuberous sclerosis complex (PMID: 11112665). This variant is not present in population databases (ExAC no frequency). This sequence change creates a premature translational stop signal (p.Tyr1250*) in the TSC2 gene. It is expected to result in an absent or disrupted protein product.

Tuberous sclerosis database (TSC2)
No classification provided. Condition: TSC. Review status: no classification provided. Criteria: Tuberous Sclerosis Database Assertion Criteria 2015. Collection method: curation. Allele origin: germline. Affected: yes. Not counted in ClinVar's aggregate classification.

Literature cited by the submitters: PubMed 10205261 (cited by Labcorp Genetics (formerly Invitae), Labcorp); PubMed 17304050 (cited by Labcorp Genetics (formerly Invitae), Labcorp); PubMed 21520333 (cited by Labcorp Genetics (formerly Invitae), Labcorp); PubMed 11112665 (cited by Labcorp Genetics (formerly Invitae), Labcorp).